The following is an entry in ClinVar:

ClinVar aggregate classification (germline): Uncertain significance (1 of 4 stars; one submission).

Conditions:
Fanconi anemia (FA). Also called: Fanconi's anemia. Identifiers: Orphanet 84, MedGen C0015625, MeSH D005199, MONDO:0019391.

Allele frequency attached by ClinVar (database versions not stated): gnomAD 0.00003 and 0.00004; TOPMed 0.00003.
gnomAD v4.1: 8 of 1,613,740 alleles (0.0005%); highest among the groups gnomAD compares: African/African-American, 0.011%; no homozygotes.

Submission:

Labcorp Genetics (formerly Invitae), Labcorp
Classification: Uncertain significance for Fanconi anemia. Last evaluated: 2021-09-01. Review status: criteria provided, single submitter. Criteria: Invitae Variant Classification Sherloc (09022015). Collection method: clinical testing. Allele origin: germline.
Comment: This sequence change replaces arginine with leucine at codon 1245 of the FANCI protein (p.Arg1245Leu). The arginine residue is highly conserved and there is a moderate physicochemical difference between arginine and leucine. This variant is not present in population databases (ExAC no frequency). This variant has not been reported in the literature in individuals affected with FANCI-related conditions. Algorithms developed to predict the effect of missense changes on protein structure and function are either unavailable or do not agree on the potential impact of this missense change (SIFT: "Deleterious"; PolyPhen-2: "Probably Damaging"; Align-GVGD: "Class C0"). In summary, the available evidence is currently insufficient to determine the role of this variant in disease. Therefore, it has been classified as a Variant of Uncertain Significance.

NM_001113378.2(FANCI):c.3734G>T (p.Arg1245Leu)

Gene: FANCI (FA complementation group I; plus strand). Cytogenetic location: 15q26.1.
Variant type: single nucleotide variant.
Coding change: c.3734G>T on transcript NM_001113378.2 (MANE Select); coding-DNA position 3734, G replaced by T.
Protein change: p.Arg1245Leu; replaces arginine 1245 with leucine.
Molecular consequence: missense variant.
Genome position (GRCh38, 1-based): chr15:89,314,625, G>T. VCF-style: chr15-89314625-G-T. GRCh37 (hg19) VCF-style: chr15-89857856-G-T.
Other names: c.3455G>T, p.Arg1152Leu (NM_001376910.1); c.3734G>T, p.Arg1245Leu (NM_001376911.1); c.3554G>T, p.Arg1185Leu (NM_018193.3); short protein forms R1152L, R1245L, R1185L.
Identifiers: ClinVar variation 1425030 (VCV001425030.5), dbSNP rs771758909, ClinGen allele CA274533688.